The following is an entry in ClinVar:

ClinVar aggregate classification (germline): Pathogenic (1 of 4 stars; one submission).

Conditions:
Mucopolysaccharidosis, MPS-II (MPS2). Also called: Hunter Syndrome; IDURONATE 2-SULFATASE DEFICIENCY; Mucopolysaccharidosis Type II; Mucopolysaccharidosis type 2; Attenuated MPS (subtype; formerly known as mild MPS II); Severe MPS II. Identifiers: Orphanet 580, Orphanet 79388, MedGen C0026705, MONDO:0010674, OMIM 309900.

Submission:

Laboratory of Diagnosis and Therapy of Lysosomal Disorders, University of Padova
Classification: Pathogenic for Mucopolysaccharidosis, MPS-II. Last evaluated: 2024-06-07. Review status: criteria provided, single submitter. Criteria: ACMG Guidelines, 2015. Collection method: literature only. Allele origin: germline. Affected: yes. Observed: 1 variant allele.
Comment: Null variant (PVS1_VeryStrong), Absent from controls (or at low frequency) in gnomAD database (PM2_Moderate), Patient’s phenotype or family history highly specific for the disease (PP4_Moderate)

Classification method: ACMG Guidelines [PMID:25741868] with modifications

Literature cited by the submitters: PubMed 27883178.

NM_000202.8(IDS):c.1038del (p.Lys347fs)

Genes: IDS (iduronate 2-sulfatase; minus strand), LOC106050102 (IDS recombination region; plus strand). Cytogenetic location: Xq28.
Variant type: Deletion.
Coding change: c.1038del on transcript NM_000202.8 (MANE Select); coding-DNA position 1038, one base deleted (C; older notation c.1038delC).
Protein change: p.Lys347fs; shifts the reading frame from lysine 347.
Molecular consequence: frameshift variant.
Genome position (GRCh38, 1-based): chrX:149,487,067, G deleted on the plus strand (C on the coding strand, the reverse complement: IDS is on the minus strand); the first of 2 consecutive G bases (chrX:149,487,067-149,487,068); deleting either gives the same sequence. VCF-style (leftmost placement, unchanged base first): chrX-149487066-TG-T. GRCh37 (hg19) VCF-style: chrX-148568597-TG-T.
Other names: c.768del, p.Lys257fs (NM_001166550.4); short protein forms K257fs, K347fs.
Identifiers: ClinVar variation 3255940 (VCV003255940.2).
Genomic context (GRCh38, chrX:149,487,066, plus strand): 5'-TCCTTCCAGGAACATAGAATATCAGGGGAACATGGGTAGCAACATCAAAATTGCTGTATT[TG>T]GCCCATTCTCCATGTTCACCTAGAGCCCACCCTAGTTCATAAAAAGCACAGAATGACAGA-3'